The following is an entry in ClinVar:

ClinVar aggregate classification (germline): Uncertain significance (1 of 4 stars; one submission).

Conditions:
Ehlers-Danlos syndrome, classic type, 1 (EDSCL1). Also called: EHLERS-DANLOS SYNDROME, GRAVIS TYPE; EHLERS-DANLOS SYNDROME, SEVERE CLASSIC TYPE; Ehlers-Danlos syndrome, type 1; Ehlers-Danlos Syndrome, Classic Type, COL5A1-Related; EDS I. Identifiers: MedGen C0268335, MONDO:0019567, OMIM 130000.

Submission:

Labcorp Genetics (formerly Invitae), Labcorp
Classification: Uncertain significance for Ehlers-Danlos syndrome, classic type, 1. Last evaluated: 2025-03-30. Review status: criteria provided, single submitter. Criteria: Invitae Variant Classification Sherloc (09022015). Collection method: clinical testing. Allele origin: germline.
Comment: This sequence change replaces proline, which is neutral and non-polar, with leucine, which is neutral and non-polar, at codon 1635 of the COL5A1 protein (p.Pro1635Leu). This variant is not present in population databases (gnomAD no frequency). This missense change has been observed in individual(s) with clinical features of Ehlers-Danlos syndrome (internal data). Invitae Evidence Modeling of protein sequence and biophysical properties (such as structural, functional, and spatial information, amino acid conservation, physicochemical variation, residue mobility, and thermodynamic stability) indicates that this missense variant is expected to disrupt COL5A1 protein function with a positive predictive value of 80%. In summary, the available evidence is currently insufficient to determine the role of this variant in disease. Therefore, it has been classified as a Variant of Uncertain Significance.

NM_000093.5(COL5A1):c.4904C>T (p.Pro1635Leu)

Genes: COL5A1 (collagen type V alpha 1 chain; plus strand), LOC101448202 (uncharacterized LOC101448202; minus strand). Cytogenetic location: 9q34.3.
Variant type: single nucleotide variant.
Coding change: c.4904C>T on transcript NM_000093.5 (MANE Select); coding-DNA position 4904, C replaced by T.
Protein change: p.Pro1635Leu; replaces proline 1635 with leucine.
Molecular consequence: missense variant.
Genome position (GRCh38, 1-based): chr9:134,824,805, C>T. VCF-style: chr9-134824805-C-T. GRCh37 (hg19) VCF-style: chr9-137716651-C-T.
Other names: c.4904C>T, p.Pro1635Leu (NM_001278074.1); short protein forms P1635L.
Identifiers: ClinVar variation 4768648 (VCV004768648.1).